The following is an entry in ClinVar:

ClinVar aggregate classification (germline): Uncertain significance (1 of 4 stars; one submission).

Allele frequency attached by ClinVar (database versions not stated): gnomAD exomes below 0.00001.
gnomAD v4.1: 1 of 1,613,036 alleles (0.000062%); highest among the groups gnomAD compares: African/African-American, 0.0013%; no homozygotes.

Submission:

Labcorp Genetics (formerly Invitae), Labcorp
Classification: Uncertain significance. Last evaluated: 2023-08-03. Review status: criteria provided, single submitter. Criteria: Invitae Variant Classification Sherloc (09022015). Collection method: clinical testing. Allele origin: germline.
Comment: An algorithm developed to predict the effect of missense changes on protein structure and function (PolyPhen-2) suggests that this variant is likely to be disruptive. This sequence change replaces proline, which is neutral and non-polar, with alanine, which is neutral and non-polar, at codon 219 of the MICAL1 protein (p.Pro219Ala). This variant is not present in population databases (gnomAD no frequency). This variant has not been reported in the literature in individuals affected with MICAL1-related conditions. In summary, the available evidence is currently insufficient to determine the role of this variant in disease. Therefore, it has been classified as a Variant of Uncertain Significance.

NM_022765.4(MICAL1):c.598C>G (p.Pro200Ala)

Gene: MICAL1 (microtubule associated monooxygenase, calponin and LIM domain containing 1; minus strand). Cytogenetic location: 6q21.
Variant type: single nucleotide variant.
Coding change: c.598C>G on transcript NM_022765.4 (MANE Select); coding-DNA position 598, C replaced by G.
Protein change: p.Pro200Ala; replaces proline 200 with alanine.
Molecular consequence: missense variant.
Genome position (GRCh38, 1-based): chr6:109,452,589, G>C on the plus strand (C>G on the coding strand, the complement: MICAL1 is on the minus strand). VCF-style: chr6-109452589-G-C. GRCh37 (hg19) VCF-style: chr6-109773792-G-C.
Other names: c.598C>G, p.Pro200Ala (NM_001159291.2); c.655C>G, p.Pro219Ala (NM_001286613.2); short protein forms P200A, P219A.
Identifiers: ClinVar variation 2749887 (VCV002749887.3), dbSNP rs768553414, ClinGen allele CA365232964.